The following is an entry in ClinVar:

ClinVar aggregate classification (germline): Uncertain significance (1 of 4 stars; one submission).

Conditions:
Congenital heart defects, dysmorphic facial features, and intellectual developmental disorder (CHDFIDD). Identifiers: Orphanet 646278, MedGen C4479246, MONDO:0044302, OMIM 617360.

gnomAD v4.1: 1 of 1,612,604 alleles (0.000062%); no homozygotes.

Submission:

Baylor Genetics
Classification: Uncertain significance for Congenital heart defects, dysmorphic facial features, and intellectual developmental disorder. Last evaluated: 2020-09-11. Review status: criteria provided, single submitter. Criteria: ACMG Guidelines, 2015. Collection method: clinical testing. Allele origin: unknown. Affected: yes.
Comment: This variant was determined to be of uncertain significance according to ACMG Guidelines, 2015 [PMID:25741868].

NM_003718.5(CDK13):c.4081C>G (p.Pro1361Ala)

Gene: CDK13 (cyclin dependent kinase 13; plus strand). Cytogenetic location: 7p14.1.
Variant type: single nucleotide variant.
Coding change: c.4081C>G on transcript NM_003718.5 (MANE Select); coding-DNA position 4081, C replaced by G.
Protein change: p.Pro1361Ala; replaces proline 1361 with alanine.
Molecular consequence: missense variant.
Genome position (GRCh38, 1-based): chr7:40,094,522, C>G. VCF-style: chr7-40094522-C-G. GRCh37 (hg19) VCF-style: chr7-40134121-C-G.
Other names: c.3901C>G, p.Pro1301Ala (NM_031267.4); short protein forms P1301A, P1361A.
Identifiers: ClinVar variation 1028148 (VCV001028148.1), dbSNP rs746659778, ClinGen allele CA367296402.